The following is an entry in ClinVar:

NM_001164508.2(NEB):c.15539C>A (p.Ala5180Asp)

Gene: NEB (nebulin; minus strand). Cytogenetic location: 2q23.3.
Variant type: single nucleotide variant.
Coding change: c.15539C>A on transcript NM_001164508.2 (MANE Select); coding-DNA position 15539, C replaced by A.
Protein change: p.Ala5180Asp; replaces alanine 5180 with aspartic acid.
Molecular consequence: missense variant. On other transcripts: intron variant (1).
Genome position (GRCh38, 1-based): chr2:151,586,421, G>T on the plus strand (C>A on the coding strand, the complement: NEB is on the minus strand). VCF-style: chr2-151586421-G-T. GRCh37 (hg19) VCF-style: chr2-152442935-G-T.
Other names: c.15539C>A, p.Ala5180Asp (NM_001164507.2, NM_001271208.2); c.11602-10067C>A (NM_004543.5); short protein forms A5180D.
Identifiers: ClinVar variation 515834 (VCV000515834.1), dbSNP rs1553847450, ClinGen allele CA348758282.
Genomic context (GRCh38, chr2:151,586,421, plus strand): 5'-TATTGCCCATAAAGGCTTTTACACTTCATGTTCGTGCCACTTACATTGCTGATTTGCAAG[G>T]CATTGATGTGGGCCTGCAGCATCTCCGGAGTATCAGAAGGAATGGTGATGTTGCTTTTAT-3'
Protein context (NP_001157980.2, residues 5170-5190): TPEMLQAHIN[Ala5180Asp]LQISNKLYQK

ClinVar aggregate classification (germline): Likely benign (1 of 4 stars; one submission).

Submission:

GeneDx
Classification: Likely benign. Last evaluated: 2018-03-01. Review status: criteria provided, single submitter. Criteria: GeneDx Variant Classification (06012015). Collection method: clinical testing. Allele origin: germline. Affected: yes.
Comment: This variant is considered likely benign or benign based on one or more of the following criteria: it is a conservative change, it occurs at a poorly conserved position in the protein, it is predicted to be benign by multiple in silico algorithms, and/or has population frequency not consistent with disease.